The following is an entry in ClinVar:

NM_015041.3(CLUAP1):c.934G>A (p.Asp312Asn)

Gene: CLUAP1 (clusterin associated protein 1; plus strand). Cytogenetic location: 16p13.3.
Variant type: single nucleotide variant.
Coding change: c.934G>A on transcript NM_015041.3 (MANE Select); coding-DNA position 934, G replaced by A.
Protein change: p.Asp312Asn; replaces aspartic acid 312 with asparagine.
Molecular consequence: missense variant.
Genome position (GRCh38, 1-based): chr16:3,530,573, G>A. VCF-style: chr16-3530573-G-A. GRCh37 (hg19) VCF-style: chr16-3580573-G-A.
Other names: c.934G>A, p.Asp312Asn (NM_001330454.2); c.436G>A, p.Asp146Asn (NM_024793.3); short protein forms D146N, D312N.
Identifiers: ClinVar variation 2098516 (VCV002098516.4), dbSNP rs148762465, ClinGen allele CA7863914.

ClinVar aggregate classification (germline): Uncertain significance (1 of 4 stars; one submission).

Allele frequency attached by ClinVar (database versions not stated): gnomAD 0.00001; gnomAD exomes 0.00001; TOPMed 0.00001; ExAC 0.00002; ESP Exome Variant Server 0.00008.
gnomAD v4.1: 10 of 1,613,332 alleles (0.00062%); highest among the groups gnomAD compares: African/African-American, 0.0013%; no homozygotes.

Submission:

Labcorp Genetics (formerly Invitae), Labcorp
Classification: Uncertain significance. Last evaluated: 2022-04-28. Review status: criteria provided, single submitter. Criteria: Invitae Variant Classification Sherloc (09022015). Collection method: clinical testing. Allele origin: germline.
Comment: In summary, the available evidence is currently insufficient to determine the role of this variant in disease. Therefore, it has been classified as a Variant of Uncertain Significance. Algorithms developed to predict the effect of missense changes on protein structure and function are either unavailable or do not agree on the potential impact of this missense change (SIFT: "Deleterious"; PolyPhen-2: "Benign"; Align-GVGD: "Class C0"). This variant has not been reported in the literature in individuals affected with CLUAP1-related conditions. This variant is present in population databases (rs148762465, gnomAD 0.003%). This sequence change replaces aspartic acid, which is acidic and polar, with asparagine, which is neutral and polar, at codon 312 of the CLUAP1 protein (p.Asp312Asn).